The following is an entry in ClinVar:

NM_014694.4(ADAMTSL2):c.279G>A (p.Thr93=)

Gene: ADAMTSL2 (ADAMTS like 2; plus strand). Cytogenetic location: 9q34.2.
Variant type: single nucleotide variant.
Coding change: c.279G>A on transcript NM_014694.4 (MANE Select); coding-DNA position 279, G replaced by A.
Protein change: p.Thr93=; no amino-acid change (threonine 93 retained).
Molecular consequence: synonymous variant.
Genome position (GRCh38, 1-based): chr9:133,538,394, G>A. VCF-style: chr9-133538394-G-A. GRCh37 (hg19) VCF-style: chr9-136403516-G-A.
Other names: c.279G>A, p.Thr93= (NM_001145320.2).
Identifiers: ClinVar variation 365573 (VCV000365573.7), dbSNP rs62637570, ClinGen allele CA5312544.

ClinVar aggregate classification (germline): Likely benign. Review status: criteria provided, multiple submitters, no conflicts (2 of 4 stars). 3 submissions from 3 submitters: Likely benign (3). Last evaluated 2024-07-18.

Conditions:
Geleophysic dysplasia 1 (GPHYSD1). Also called: Geleophysic dwarfism. Identifiers: Orphanet 2623, MedGen C3278147, MONDO:0009269, OMIM 231050.

Allele frequency attached by ClinVar (database versions not stated): gnomAD exomes 0.00046; ExAC 0.00063; gnomAD 0.00143 and 0.00150; TOPMed 0.00165; ESP Exome Variant Server 0.00185; 1000 Genomes Project 0.00300; 1000 Genomes Project 30x 0.00328.
gnomAD v4.1: 462 of 1,613,286 alleles (0.029%); highest among the groups gnomAD compares: African/African-American, 0.5%; 2 homozygotes.

Submissions (3):

Blueprint Genetics
Classification: Likely benign. Last evaluated: 2024-07-18. Review status: criteria provided, single submitter. Criteria: ACMG Guidelines, 2015. Collection method: clinical testing. Allele origin: germline.

Illumina Laboratory Services, Illumina
Classification: Likely benign for Geleophysic dysplasia 1. Last evaluated: 2018-01-12. Review status: criteria provided, single submitter. Criteria: ICSL Variant Classification Criteria 13 December 2019. Collection method: clinical testing. Allele origin: germline.
Comment: This variant was observed in the ICSL laboratory as part of a predisposition screen in an ostensibly healthy population. It had not been previously curated by ICSL or reported in the Human Gene Mutation Database (HGMD: prior to June 1st, 2018), and was therefore a candidate for classification through an automated scoring system. Utilizing variant allele frequency, disease prevalence and penetrance estimates, and inheritance mode, an automated score was calculated to assess if this variant is too frequent to cause the disease. Based on the score and internal cut-off values, a variant classified as likely benign is not then subjected to further curation. The score for this variant resulted in a classification of likely benign for this disease.

Breakthrough Genomics
Classification: Likely benign. Review status: criteria provided, single submitter. Criteria: ACMG Guidelines, 2015. Collection method: not provided. Allele origin: germline. Inheritance: Autosomal recessive inheritance. Affected: yes.